The following is an entry in ClinVar:

NM_032888.4(COL27A1):c.3392C>T (p.Pro1131Leu)

Gene: COL27A1 (collagen type XXVII alpha 1 chain; plus strand). Cytogenetic location: 9q32.
Variant type: single nucleotide variant.
Coding change: c.3392C>T on transcript NM_032888.4 (MANE Select); coding-DNA position 3392, C replaced by T.
Protein change: p.Pro1131Leu; replaces proline 1131 with leucine.
Molecular consequence: missense variant.
Genome position (GRCh38, 1-based): chr9:114,265,474, C>T. VCF-style: chr9-114265474-C-T. GRCh37 (hg19) VCF-style: chr9-117027754-C-T.
Other names: c.3392C>T (NM_032888.2); short protein forms P1131L.
Identifiers: ClinVar variation 2150027 (VCV002150027.2), dbSNP rs773146237, ClinGen allele CA5202446.

ClinVar aggregate classification (germline): Uncertain significance. Review status: criteria provided, multiple submitters, no conflicts (2 of 4 stars). 2 submissions from 2 submitters: Uncertain significance (2). Last evaluated 2021-10-14.

Conditions:
Inborn genetic diseases. Identifiers: MedGen C0950123, MeSH D030342.

Allele frequency attached by ClinVar (database versions not stated): ExAC 0.00002; gnomAD exomes 0.00003; gnomAD 0.00005; TOPMed 0.00008.
gnomAD v4.1: 45 of 1,613,640 alleles (0.0028%); highest among the groups gnomAD compares: East Asian, 0.058%; no homozygotes.

Submissions (2):

Labcorp Genetics (formerly Invitae), Labcorp
Classification: Uncertain significance. Last evaluated: 2021-10-14. Review status: criteria provided, single submitter. Criteria: Invitae Variant Classification Sherloc (09022015). Collection method: clinical testing. Allele origin: germline.
Comment: This sequence change replaces proline with leucine at codon 1131 of the COL27A1 protein (p.Pro1131Leu). The proline residue is highly conserved and there is a moderate physicochemical difference between proline and leucine. This variant is present in population databases (rs773146237, ExAC 0.02%). This variant has not been reported in the literature in individuals affected with COL27A1-related conditions. Algorithms developed to predict the effect of missense changes on protein structure and function (SIFT, PolyPhen-2, Align-GVGD) all suggest that this variant is likely to be disruptive. In summary, the available evidence is currently insufficient to determine the role of this variant in disease. Therefore, it has been classified as a Variant of Uncertain Significance.

Ambry Genetics
Classification: Uncertain significance for Inborn genetic diseases. Last evaluated: 2021-08-17. Review status: criteria provided, single submitter. Criteria: Ambry Variant Classification Scheme 2023. Collection method: clinical testing. Allele origin: germline.